The following is an entry in ClinVar:

ClinVar aggregate classification (germline): Likely benign (0 of 4 stars; one submission).

Conditions:
SLC7A3-related disorder. Also called: SLC7A3-related condition.

Allele frequency attached by ClinVar (database versions not stated): TOPMed 0.00015; gnomAD exomes 0.00016; gnomAD 0.00019; 1000 Genomes Project 30x 0.00021; ExAC 0.00025; 1000 Genomes Project 0.00026; ESP Exome Variant Server 0.00028.

Submission:

PreventionGenetics, part of Exact Sciences
Classification: Likely benign for SLC7A3-related condition. Last evaluated: 2020-02-24. Review status: no assertion criteria provided. Collection method: clinical testing. Allele origin: germline.
Comment: This variant is classified as likely benign based on ACMG/AMP sequence variant interpretation guidelines (Richards et al. 2015 PMID: 25741868, with internal and published modifications).

NM_032803.6(SLC7A3):c.852C>T (p.Ile284=)

Gene: SLC7A3 (solute carrier family 7 member 3; minus strand). Cytogenetic location: Xq13.1.
Variant type: single nucleotide variant.
Coding change: c.852C>T on transcript NM_032803.6 (MANE Select); coding-DNA position 852, C replaced by T.
Protein change: p.Ile284=; no amino-acid change (isoleucine 284 retained).
Molecular consequence: synonymous variant.
Genome position (GRCh38, 1-based): chrX:70,927,989, G>A on the plus strand (C>T on the coding strand, the complement: SLC7A3 is on the minus strand). VCF-style: chrX-70927989-G-A. GRCh37 (hg19) VCF-style: chrX-70147839-G-A.
Other names: c.852C>T, p.Ile284= (NM_001048164.3).
Identifiers: ClinVar variation 3051275 (VCV003051275.2), dbSNP rs149183635, ClinGen allele CA10443166.